The following is an entry in ClinVar:

ClinVar aggregate classification (germline): Likely benign. Review status: criteria provided, multiple submitters, no conflicts (2 of 4 stars). 8 submissions from 8 submitters: Likely benign (7). 1 of the submissions does not count toward it. Last evaluated 2026-05-26.

Conditions:
Hereditary cancer-predisposing syndrome. Also called: Tumor predisposition; Neoplastic Syndromes, Hereditary; Hereditary Cancer Syndrome; Hereditary neoplastic syndrome. Identifiers: Orphanet 140162, MedGen C0027672, MeSH D009386, MONDO:0015356.
Hereditary breast ovarian cancer syndrome. Also called: Hereditary breast and ovarian cancer syndrome (HBOC); Hereditary breast and ovarian cancer syndrome; Hereditary breast and ovarian cancer; Hereditary breast and/or ovarian cancer syndrome; Breast and ovarian cancer; BRCA1- and BRCA2-Associated Hereditary Breast and Ovarian Cancer. Identifiers: Orphanet 145, MedGen C0677776, MeSH D061325, MONDO:0003582. Disease mechanism: loss of function.
Breast-ovarian cancer, familial, susceptibility to, 1 (BROVCA1). Also called: OVARIAN CANCER, SUSCEPTIBILITY TO; BRCA1 Hereditary Breast and Ovarian Cancer. Identifiers: Orphanet 145, MedGen C2676676, MONDO:0011450, OMIM 604370. Disease mechanism: loss of function.

Allele frequency attached by ClinVar (database versions not stated): gnomAD exomes 0.00002 and 0.00004; ExAC 0.00003.
gnomAD v4.1: 11 of 1,614,012 alleles (0.00068%); highest among the groups gnomAD compares: Admixed American, 0.018%; no homozygotes.

Submissions (8):

Women's Health and Genetics/Laboratory Corporation of America, LabCorp
Classification: Likely benign. Last evaluated: 2026-05-26. Review status: criteria provided, single submitter. Criteria: LabCorp Variant Classification Summary - May 2015. Collection method: clinical testing. Allele origin: germline.
Comment: Variant summary: BRCA1 c.2735A>G (p.Lys912Arg) results in a conservative amino acid change in the encoded protein sequence. Algorithms developed to predict the effect of missense changes on protein structure and function all suggest that this variant is likely to be tolerated. The variant allele was found at a frequency of 4.4e-05 in 250742 control chromosomes, predominantly at a frequency of 0.00032 within the Latino subpopulation in the gnomAD database. To our knowledge, no occurrence of c.2735A>G in individuals affected with BRCA1-related conditions and no experimental evidence demonstrating its impact on protein function have been reported. ClinVar contains an entry for this variant (Variation ID: 37487). Based on the evidence outlined above, the variant was classified as likely benign.

Labcorp Genetics (formerly Invitae), Labcorp
Classification: Likely benign for Hereditary breast ovarian cancer syndrome. Last evaluated: 2026-01-27. Review status: criteria provided, single submitter. Criteria: Invitae Variant Classification Sherloc (09022015). Collection method: clinical testing. Allele origin: germline.

Quest Diagnostics Nichols Institute San Juan Capistrano
Classification: Likely benign. Last evaluated: 2025-05-14. Review status: criteria provided, single submitter. Criteria: Quest Diagnostics criteria. Collection method: clinical testing. Allele origin: unknown.

University of Washington Department of Laboratory Medicine, University of Washington
Classification: Likely benign for Hereditary cancer-predisposing syndrome. Last evaluated: 2023-03-23. Review status: criteria provided, single submitter. Criteria: Dines et al. (Genet Med. 2020). Collection method: curation. Allele origin: germline.
Comment: Missense variant in a coldspot region where missense variants are very unlikely to be pathogenic (PMID:31911673).

BRCA1 coldspot (exon 11 using historical exon numbering). Reclassification based on statistical prior probability

Ambry Genetics
Classification: Likely benign for Hereditary cancer-predisposing syndrome. Last evaluated: 2018-07-21. Review status: criteria provided, single submitter. Criteria: Ambry Variant Classification Scheme 2023. Collection method: clinical testing. Allele origin: germline.

GeneDx
Classification: Likely benign. Last evaluated: 2018-06-14. Review status: criteria provided, single submitter. Criteria: GeneDx Variant Classification Process June 2021. Collection method: clinical testing. Allele origin: germline. Affected: yes.
Comment: This variant is associated with the following publications: (PMID: 9010228)

Color Diagnostics, LLC DBA Color Health
Classification: Likely benign for Hereditary cancer-predisposing syndrome. Last evaluated: 2017-07-17. Review status: criteria provided, single submitter. Criteria: ACMG Guidelines, 2015. Collection method: clinical testing. Allele origin: germline.

Sharing Clinical Reports Project (SCRP)
Classification: Benign for Breast-ovarian cancer, familial 1. Last evaluated: 2011-11-04. Review status: no assertion criteria provided. Collection method: clinical testing. Allele origin: germline. Not counted in ClinVar's aggregate classification.

Literature cited by the submitters: PubMed 9010228 (cited by Women's Health and Genetics/Laboratory Corporation of America, LabCorp); PubMed 31911673 (cited by Quest Diagnostics Nichols Institute San Juan Capistrano).

NM_007294.4(BRCA1):c.2735A>G (p.Lys912Arg)

Gene: BRCA1 (BRCA1 DNA repair associated; minus strand). Cytogenetic location: 17q21.31.
Variant type: single nucleotide variant.
Coding change: c.2735A>G on transcript NM_007294.4 (MANE Select); coding-DNA position 2735, A replaced by G.
Protein change: p.Lys912Arg; replaces lysine 912 with arginine.
Molecular consequence: missense variant. On other transcripts: intron variant (137).
Genome position (GRCh38, 1-based): chr17:43,092,796, T>C on the plus strand (A>G on the coding strand, the complement: BRCA1 is on the minus strand). VCF-style: chr17-43092796-T-C. GRCh37 (hg19) VCF-style: chr17-41244813-T-C.
Other names: p.K912R:AAG>AGG; 2854A>G; c.2399A>G, p.Lys800Arg (NM_001407958.1, NM_001407954.1, NM_001407955.1 and 1 more transcripts); c.2354A>G, p.Lys785Arg (NM_001407959.1, NM_001407960.1, NM_001407963.1); c.2351A>G, p.Lys784Arg (NM_001407962.1); c.2591A>G, p.Lys864Arg (NM_001407964.1, NM_001407740.1, NM_001407741.1 and 20 more transcripts); c.2231A>G, p.Lys744Arg (NM_001407965.1); c.1847A>G, p.Lys616Arg (NM_001407966.1, NM_001407967.1); and 43 more; short protein forms K912R, K865R, K800R, K824R, K845R, K871R, K616R, K744R.
Identifiers: ClinVar variation 37487 (VCV000037487.29), dbSNP rs397507204, ClinGen allele CA001803.